The following is an entry in ClinVar:

NM_006842.3(SF3B2):c.1705C>G (p.Gln569Glu)

Gene: SF3B2 (splicing factor 3b subunit 2; plus strand). Cytogenetic location: 11q13.1.
Variant type: single nucleotide variant.
Coding change: c.1705C>G on transcript NM_006842.3 (MANE Select); coding-DNA position 1705, C replaced by G.
Protein change: p.Gln569Glu; replaces glutamine 569 with glutamic acid.
Molecular consequence: missense variant.
Genome position (GRCh38, 1-based): chr11:66,060,657, C>G. VCF-style: chr11-66060657-C-G. GRCh37 (hg19) VCF-style: chr11-65828128-C-G.
Other names: short protein forms Q569E.
Identifiers: ClinVar variation 5008385 (VCV005008385.1).

ClinVar aggregate classification (germline): Uncertain significance (1 of 4 stars; one submission).

Submission:

GeneDx
Classification: Uncertain significance. Last evaluated: 2026-03-02. Review status: criteria provided, single submitter. Criteria: GeneDx Variant Classification Process June 2021. Collection method: clinical testing. Allele origin: germline.
Comment: Not observed at significant frequency in large population cohorts (gnomAD); In silico analysis supports that this missense variant has a deleterious effect on protein structure/function; Has not been previously published as pathogenic or benign to our knowledge